The following is an entry in ClinVar:

NM_000719.7(CACNA1C):c.757+305T>G

Gene: CACNA1C (calcium voltage-gated channel subunit alpha1 C; plus strand). Cytogenetic location: 12p13.33.
Variant type: single nucleotide variant.
Coding change: c.757+305T>G on transcript NM_000719.7 (MANE Select); 305 bases into the intron after coding-DNA position 757, T replaced by G.
Molecular consequence: intron variant.
Genome position (GRCh38, 1-based): chr12:2,458,011, T>G. VCF-style: chr12-2458011-T-G. GRCh37 (hg19) VCF-style: chr12-2567177-T-G.
Other names: c.757+305T>G (NM_001167624.3, NM_001167623.2, NM_001167625.2 and 19 more transcripts).
Identifiers: ClinVar variation 683262 (VCV000683262.1), dbSNP rs116415152, ClinGen allele CA231572065.

ClinVar aggregate classification (germline): Benign (1 of 4 stars; one submission).

Allele frequency attached by ClinVar (database versions not stated): gnomAD 0.01562 and 0.01653; TOPMed 0.01719; 1000 Genomes Project 0.02216; 1000 Genomes Project 30x 0.02436.
gnomAD v4.1: 2,361 of 152,302 alleles (1.6%); highest among the groups gnomAD compares: African/African-American, 5.3%; 62 homozygotes.

Submission:

GeneDx
Classification: Benign. Last evaluated: 2018-06-14. Review status: criteria provided, single submitter. Criteria: GeneDx Variant Classification (06012015). Collection method: clinical testing. Allele origin: germline. Affected: yes.
Comment: This variant is considered likely benign or benign based on one or more of the following criteria: it is a conservative change, it occurs at a poorly conserved position in the protein, it is predicted to be benign by multiple in silico algorithms, and/or has population frequency not consistent with disease.